The following is an entry in ClinVar:

ClinVar aggregate classification (germline): Uncertain significance. Review status: criteria provided, multiple submitters, no conflicts (2 of 4 stars). 2 submissions from 2 submitters: Uncertain significance (2). Last evaluated 2025-12-21.

Conditions:
Hereditary cancer-predisposing syndrome. Also called: Hereditary Cancer Syndrome; Tumor predisposition; Neoplastic Syndromes, Hereditary; Hereditary neoplastic syndrome. Identifiers: Orphanet 140162, MedGen C0027672, MeSH D009386, MONDO:0015356.

Submissions (2):

Ambry Genetics
Classification: Uncertain significance for Hereditary cancer-predisposing syndrome. Last evaluated: 2025-12-21. Review status: criteria provided, single submitter. Criteria: Ambry Variant Classification Scheme 2023. Collection method: clinical testing. Allele origin: germline.
Comment: The p.S815N variant (also known as c.2444G>A), located in coding exon 18 of the MSH3 gene, results from a G to A substitution at nucleotide position 2444. The serine at codon 815 is replaced by asparagine, an amino acid with highly similar properties. This amino acid position is conserved. In addition, this alteration is predicted to be tolerated by in silico analysis. Based on the available evidence, the clinical significance of this variant remains unclear.

Labcorp Genetics (formerly Invitae), Labcorp
Classification: Uncertain significance. Last evaluated: 2019-02-24. Review status: criteria provided, single submitter. Criteria: Invitae Variant Classification Sherloc (09022015). Collection method: clinical testing. Allele origin: germline.
Comment: In summary, the available evidence is currently insufficient to determine the role of this variant in disease. Therefore, it has been classified as a Variant of Uncertain Significance. Algorithms developed to predict the effect of missense changes on protein structure and function output the following: SIFT: "Tolerated"; PolyPhen-2: "Benign"; Align-GVGD: "Class C0". The asparagine amino acid residue is found in multiple mammalian species, suggesting that this missense change does not adversely affect protein function. These predictions have not been confirmed by published functional studies and their clinical significance is uncertain. This variant has not been reported in the literature in individuals with MSH3-related conditions. This variant is not present in population databases (ExAC no frequency). This sequence change replaces serine with asparagine at codon 815 of the MSH3 protein (p.Ser815Asn). The serine residue is weakly conserved and there is a small physicochemical difference between serine and asparagine.

NM_002439.5(MSH3):c.2444G>A (p.Ser815Asn)

Gene: MSH3 (mutS homolog 3; plus strand). Cytogenetic location: 5q14.1.
Variant type: single nucleotide variant.
Coding change: c.2444G>A on transcript NM_002439.5 (MANE Select); coding-DNA position 2444, G replaced by A.
Protein change: p.Ser815Asn; replaces serine 815 with asparagine.
Molecular consequence: missense variant.
Genome position (GRCh38, 1-based): chr5:80,787,573, G>A. VCF-style: chr5-80787573-G-A. GRCh37 (hg19) VCF-style: chr5-80083392-G-A.
Other names: c.2444G>A (NM_002439.3); short protein forms S815N.
Identifiers: ClinVar variation 834340 (VCV000834340.8), dbSNP rs1744531191, ClinGen allele CA360282956.